The following is an entry in ClinVar:

ClinVar aggregate classification (germline): Uncertain significance. Review status: criteria provided, multiple submitters, no conflicts (2 of 4 stars). 4 submissions from 4 submitters: Uncertain significance (2). 2 of the submissions do not count toward it. Last evaluated 2026-03-31.

Conditions:
Pyogenic arthritis-pyoderma gangrenosum-acne syndrome (PAPA). Also called: FAMILIAL RECURRENT ARTHRITIS; PAPA SYNDROME. Identifiers: Orphanet 69126, MedGen C1858361, MONDO:0011462, OMIM 604416.

Allele frequency attached by ClinVar (database versions not stated): gnomAD exomes 0.00001; TOPMed below 0.00001.
gnomAD v4.1: 10 of 1,612,664 alleles (0.00062%); highest among the groups gnomAD compares: East Asian, 0.0022%; no homozygotes.

Submissions (4):

GeneDx
Classification: Uncertain significance. Last evaluated: 2026-03-31. Review status: criteria provided, single submitter. Criteria: GeneDx Variant Classification Process June 2021. Collection method: clinical testing. Allele origin: germline.
Comment: Not observed at significant frequency in large population cohorts (gnomAD); In silico analysis supports that this missense variant has a deleterious effect on protein structure/function; Has not been previously reported as pathogenic or benign in association with a PSTPIP1-related autoinflammatory disorder to our knowledge; This variant is associated with the following publications: (PMID: 29432774)

Labcorp Genetics (formerly Invitae), Labcorp
Classification: Uncertain significance for Pyogenic arthritis-pyoderma gangrenosum-acne syndrome. Last evaluated: 2023-06-09. Review status: criteria provided, single submitter. Criteria: Invitae Variant Classification Sherloc (09022015). Collection method: clinical testing. Allele origin: germline.
Comment: In summary, the available evidence is currently insufficient to determine the role of this variant in disease. Therefore, it has been classified as a Variant of Uncertain Significance. Experimental studies are conflicting or provide insufficient evidence to determine the effect of this variant on PSTPIP1 function (PMID: 29432774). Advanced modeling of protein sequence and biophysical properties (such as structural, functional, and spatial information, amino acid conservation, physicochemical variation, residue mobility, and thermodynamic stability) performed at Invitae indicates that this missense variant is expected to disrupt PSTPIP1 protein function. ClinVar contains an entry for this variant (Variation ID: 1017713). This missense change has been observed in individual(s) with common variable immunodeficiency (PMID: 29432774). This variant is not present in population databases (gnomAD no frequency). This sequence change replaces threonine, which is neutral and polar, with methionine, which is neutral and non-polar, at codon 274 of the PSTPIP1 protein (p.Thr274Met).

Clinical Genetics DNA and cytogenetics Diagnostics Lab, Erasmus MC, Erasmus Medical Center
Classification: Uncertain significance. Review status: no assertion criteria provided. Collection method: clinical testing. Allele origin: germline. Affected: yes. Study: VKGL Data-share Consensus. Not counted in ClinVar's aggregate classification.

Genome Diagnostics Laboratory, University Medical Center Utrecht
Classification: Uncertain significance. Review status: no assertion criteria provided. Collection method: clinical testing. Allele origin: germline. Affected: yes. Study: VKGL Data-share Consensus. Not counted in ClinVar's aggregate classification.

Literature cited by the submitters: PubMed 29432774 (cited by Labcorp Genetics (formerly Invitae), Labcorp).

NM_003978.5(PSTPIP1):c.821C>T (p.Thr274Met)

Gene: PSTPIP1 (proline-serine-threonine phosphatase interacting protein 1; plus strand). Cytogenetic location: 15q24.3.
Variant type: single nucleotide variant.
Coding change: c.821C>T on transcript NM_003978.5 (MANE Select); coding-DNA position 821, C replaced by T.
Protein change: p.Thr274Met; replaces threonine 274 with methionine.
Molecular consequence: missense variant.
Genome position (GRCh38, 1-based): chr15:77,032,377, C>T. VCF-style: chr15-77032377-C-T. GRCh37 (hg19) VCF-style: chr15-77324718-C-T.
Other names: c.821C>T, p.Thr274Met (NM_001321135.2); c.794C>T, p.Thr265Met (NM_001321136.2); c.1016C>T, p.Thr339Met (NM_001321137.1); c.821C>T (NM_003978.3); short protein forms T265M, T274M, T339M.
Identifiers: ClinVar variation 1017713 (VCV001017713.11), dbSNP rs2076440871, ClinGen allele CA393521205.